The following is an entry in ClinVar:

NM_001379291.1(BRD4):c.3160T>C (p.Tyr1054His)

Gene: BRD4 (bromodomain containing 4; minus strand). Cytogenetic location: 19p13.12.
Variant type: single nucleotide variant.
Coding change: c.3160T>C on transcript NM_001379291.1 (MANE Select); coding-DNA position 3160, T replaced by C.
Protein change: p.Tyr1054His; replaces tyrosine 1054 with histidine.
Molecular consequence: missense variant.
Genome position (GRCh38, 1-based): chr19:15,242,909, A>G on the plus strand (T>C on the coding strand, the complement: BRD4 is on the minus strand). VCF-style: chr19-15242909-A-G. GRCh37 (hg19) VCF-style: chr19-15353720-A-G.
Other names: c.3160T>C, p.Tyr1054His (NM_058243.3); short protein forms Y1054H.
Identifiers: ClinVar variation 4997732 (VCV004997732.1).

ClinVar aggregate classification (germline): Uncertain significance (1 of 4 stars; one submission).

Conditions:
BRD4-related disorder. Also called: BRD4-related condition.

gnomAD v4.1: 1 of 1,573,260 alleles (0.000064%); highest among the groups gnomAD compares: Non-Finnish European, 0.000086%; no homozygotes.

Submission:

PreventionGenetics, part of Exact Sciences
Classification: Uncertain significance for BRD4-related condition. Last evaluated: 2025-07-23. Review status: criteria provided, single submitter. Criteria: ACMG Guidelines, 2015. Collection method: clinical testing. Allele origin: germline.
Comment: The BRD4 c.3160T>C variant is predicted to result in the amino acid substitution p.Tyr1054His. To our knowledge, this variant has not been reported in the literature. This variant has been reported in one heterozygous individual within the ‘other’ subpopulation in gnomAD. At this time, the clinical significance of this variant is uncertain due to the absence of conclusive functional and genetic evidence.